The following is an entry in ClinVar:

ClinVar aggregate classification (germline): Benign/Likely benign. Review status: criteria provided, multiple submitters, no conflicts (2 of 4 stars). 3 submissions from 3 submitters: Benign (1); Likely benign (2). Last evaluated 2026-08-03.

Conditions:
Familial colorectal cancer type X. Identifiers: Orphanet 440437, MedGen C3896578, MONDO:0018604.

Submissions (3):

Myriad Genetics, Inc.
Classification: Benign for Familial colorectal cancer type X. Last evaluated: 2026-08-03. Review status: criteria provided, single submitter. Criteria: Myriad Autosomal Dominant, Autosomal Recessive and X-Linked Classification Criteria (2023). Collection method: clinical testing. Allele origin: unknown.
Comment: This variant is considered benign. This variant is a silent/synonymous amino acid change and it is not expected to impact splicing.

Labcorp Genetics (formerly Invitae), Labcorp
Classification: Likely benign. Last evaluated: 2022-10-13. Review status: criteria provided, single submitter. Criteria: Invitae Variant Classification Sherloc (09022015). Collection method: clinical testing. Allele origin: germline.

Ambry Genetics
Classification: Likely benign. Last evaluated: 2022-08-01. Review status: criteria provided, single submitter. Criteria: Ambry Variant Classification Scheme 2023. Collection method: clinical testing. Allele origin: germline.

NM_001023.4(RPS20):c.70C>T (p.Leu24=)

Gene: RPS20 (ribosomal protein S20; minus strand). Cytogenetic location: 8q12.1.
Variant type: single nucleotide variant.
Coding change: c.70C>T on transcript NM_001023.4 (MANE Select); coding-DNA position 70, C replaced by T.
Protein change: p.Leu24=; no amino-acid change (leucine 24 retained).
Molecular consequence: synonymous variant.
Genome position (GRCh38, 1-based): chr8:56,074,093, G>A on the plus strand (C>T on the coding strand, the complement: RPS20 is on the minus strand). VCF-style: chr8-56074093-G-A. GRCh37 (hg19) VCF-style: chr8-56986652-G-A.
Other names: c.70C>T, p.Leu24= (NM_001146227.3).
Identifiers: ClinVar variation 1595779 (VCV001595779.11), dbSNP rs777281946, ClinGen allele CA4754459.